The following is an entry in ClinVar:

ClinVar aggregate classification (germline): Likely benign (0 of 4 stars; one submission).

Conditions:
PLXNA4-related disorder. Also called: PLXNA4-related condition.

gnomAD v4.1: 5 of 1,614,144 alleles (0.00031%); highest among the groups gnomAD compares: Admixed American, 0.0083%; no homozygotes.

Submission:

PreventionGenetics, part of Exact Sciences
Classification: Likely benign for PLXNA4-related condition. Last evaluated: 2024-05-22. Review status: no assertion criteria provided. Collection method: clinical testing. Allele origin: germline.
Comment: This variant is classified as likely benign based on ACMG/AMP sequence variant interpretation guidelines (Richards et al. 2015 PMID: 25741868, with internal and published modifications).

NM_020911.2(PLXNA4):c.3546T>G (p.Thr1182=)

Gene: PLXNA4 (plexin A4; minus strand). Cytogenetic location: 7q32.3.
Variant type: single nucleotide variant.
Coding change: c.3546T>G on transcript NM_020911.2 (MANE Select); coding-DNA position 3546, T replaced by G.
Protein change: p.Thr1182=; no amino-acid change (threonine 1182 retained).
Molecular consequence: synonymous variant.
Genome position (GRCh38, 1-based): chr7:132,180,679, A>C on the plus strand (T>G on the coding strand, the complement: PLXNA4 is on the minus strand). VCF-style: chr7-132180679-A-C. GRCh37 (hg19) VCF-style: chr7-131865438-A-C.
Other names: c.3546T>G, p.Thr1182= (NM_001393897.1).
Identifiers: ClinVar variation 3354204 (VCV003354204.1).